The following is an entry in ClinVar:

ClinVar aggregate classification (germline): Uncertain significance. Review status: criteria provided, multiple submitters, no conflicts (2 of 4 stars). 3 submissions from 3 submitters: Uncertain significance (3). Last evaluated 2023-10-03.

Conditions:
Inborn genetic diseases. Identifiers: MedGen C0950123, MeSH D030342.
Muscular dystrophy-dystroglycanopathy (congenital with brain and eye anomalies), type A9. Also called: WALKER-WARBURG SYNDROME OR MUSCLE-EYE BRAIN DISEASE, DAG1-RELATED; Muscular dystrophy-dystroglycanopathy (congenital with brain and eye anomalies), type a, 9. Identifiers: Orphanet 370997, Orphanet 899, MedGen C4225291, MONDO:0014683, OMIM 616538.
Autosomal recessive limb-girdle muscular dystrophy type 2P. Also called: MUSCULAR DYSTROPHY, LIMB-GIRDLE, TYPE 2P; Limb-Girdle Muscular Dystrophy Type 9C; MUSCULAR DYSTROPHY-DYSTROGLYCANOPATHY, LIMB-GIRDLE, DAG1-RELATED. Identifiers: Orphanet 280333, MedGen C4511963, MONDO:0013440, OMIM 613818.

Allele frequency attached by ClinVar (database versions not stated): TOPMed below 0.00001; ExAC 0.00001; gnomAD exomes 0.00002.
gnomAD v4.1: 33 of 1,613,490 alleles (0.002%); highest among the groups gnomAD compares: Non-Finnish European, 0.0025%; no homozygotes.

Submissions (3):

Labcorp Genetics (formerly Invitae), Labcorp
Classification: Uncertain significance for Autosomal recessive limb-girdle muscular dystrophy type 2P; Muscular dystrophy-dystroglycanopathy (congenital with brain and eye anomalies), type A9. Last evaluated: 2023-10-03. Review status: criteria provided, single submitter. Criteria: Invitae Variant Classification Sherloc (09022015). Collection method: clinical testing. Allele origin: germline.
Comment: This sequence change replaces arginine, which is basic and polar, with cysteine, which is neutral and slightly polar, at codon 679 of the DAG1 protein (p.Arg679Cys). This variant is present in population databases (rs778608269, gnomAD 0.006%). This variant has not been reported in the literature in individuals affected with DAG1-related conditions. ClinVar contains an entry for this variant (Variation ID: 285333). Advanced modeling of protein sequence and biophysical properties (such as structural, functional, and spatial information, amino acid conservation, physicochemical variation, residue mobility, and thermodynamic stability) performed at Invitae indicates that this missense variant is not expected to disrupt DAG1 protein function. In summary, the available evidence is currently insufficient to determine the role of this variant in disease. Therefore, it has been classified as a Variant of Uncertain Significance.

Ambry Genetics
Classification: Uncertain significance for Inborn genetic diseases. Last evaluated: 2021-11-29. Review status: criteria provided, single submitter. Criteria: Ambry Variant Classification Scheme 2023. Collection method: clinical testing. Allele origin: germline.

Eurofins Ntd Llc (ga)
Classification: Uncertain significance. Last evaluated: 2016-01-28. Review status: criteria provided, single submitter. Criteria: EGL Classification Definitions 2015. Collection method: clinical testing. Allele origin: germline. Observed: 1 variant allele, 1 heterozygote.

NM_004393.6(DAG1):c.2035C>T (p.Arg679Cys)

Gene: DAG1 (dystroglycan 1; plus strand). Cytogenetic location: 3p21.31.
Variant type: single nucleotide variant.
Coding change: c.2035C>T on transcript NM_004393.6 (MANE Select); coding-DNA position 2035, C replaced by T.
Protein change: p.Arg679Cys; replaces arginine 679 with cysteine.
Molecular consequence: missense variant.
Genome position (GRCh38, 1-based): chr3:49,532,546, C>T. VCF-style: chr3-49532546-C-T. GRCh37 (hg19) VCF-style: chr3-49569979-C-T.
Other names: c.2035C>T, p.Arg679Cys (NM_001165928.4, NM_001177634.3, NM_001177635.3 and 9 more transcripts); c.2035C>T (NM_004393.4); short protein forms R679C.
Identifiers: ClinVar variation 285333 (VCV000285333.12), dbSNP rs778608269, ClinGen allele CA2399192.